The following is an entry in ClinVar:

ClinVar aggregate classification (germline): Likely pathogenic. Review status: criteria provided, multiple submitters, no conflicts (2 of 4 stars). 2 submissions from 2 submitters: Likely pathogenic (2). Last evaluated 2024-04-04.

Conditions:
Thyroid hormone resistance, generalized, autosomal dominant (GRTHD). Also called: HYPERTHYROXINEMIA, FAMILIAL EUTHYROID, SECONDARY TO PITUITARY AND PERIPHERAL RESISTANCE TO THYROID HORMONES. Identifiers: MedGen C2937288, MONDO:0008569, OMIM 188570.

Submissions (2):

Genetic Services Laboratory, University of Chicago
Classification: Likely pathogenic. Last evaluated: 2024-04-04. Review status: criteria provided, single submitter. Criteria: ACMG Guidelines, 2015. Collection method: clinical testing. Allele origin: germline. Affected: yes.
Comment: DNA sequence analysis of the THRB gene demonstrated a deletion and insertion of two base pairs in exon 10, c.1357_1358delinsAA. This in-frame deletion/insertion is predicted to result in a missense change, p.Pro453Asn. The p.Pro453Asn change affects a highly conserved amino acid residue located in the nuclear hormone receptor, ligand-binding domain of the THRB protein that is known to be functional. In-silico pathogenicity prediction tools (SIFT, PolyPhen2, Align GVGD) provide contradictory results for the p.Pro453Asn substitution. This amino acid change has been described in the literature in the apparent de novo state in an individual with resistance to thyroid hormone (RTH) and co-occurring autoimmune thyroid disease (PMID: 37082196). Several sequence changes affecting the same amino acid residue (p.Pro453Ala, p.Pro453Leu, p.Pro453His, p.Pro453Thr, p.Pro453Ser) have been described in individuals with RTH (PMID: 8040303, 18561095, 27980311, 25040256, 2153155). This sequence change has not been described in the population databases such as ExAC and gnomAD. The p.Pro453Asn amino acid change occurs in a region of the THRB gene where other missense sequence changes have been described in individuals with THRB-related disorders. These collective evidences indicate that this sequence change is likely pathogenic, however functional studies have not been performed to prove this conclusively.

Genetics Department, Polish Mother's Memorial Hospital Research Institute
Classification: Likely pathogenic for Thyroid hormone resistance, generalized, autosomal dominant. Last evaluated: 2023-03-02. Review status: criteria provided, single submitter. Criteria: ACMG Guidelines, 2015. Collection method: research. Allele origin: germline. Affected: yes. Observed: 1 variant allele.

NM_001354712.2(THRB):c.1357_1358delinsAA (p.Pro453Asn)

Gene: THRB (thyroid hormone receptor beta; minus strand). Cytogenetic location: 3p24.2.
Variant type: Indel.
Coding change: c.1357_1358delinsAA on transcript NM_001354712.2 (MANE Select); coding-DNA positions 1357 to 1358, CC replaced by AA.
Protein change: p.Pro453Asn; replaces proline 453 with asparagine.
Molecular consequence: missense variant.
Genome position (GRCh38, 1-based): chr3:24,122,912-24,122,913, GG replaced by TT on the plus strand (CC replaced by AA on the coding strand, the reverse complement: THRB is on the minus strand). VCF-style: chr3-24122912-GG-TT. GRCh37 (hg19) VCF-style: chr3-24164403-GG-TT.
Other names: c.1357_1358delinsAA, p.Pro453Asn (NM_000461.5, NM_001128176.3, NM_001128177.2 and 11 more transcripts); c.1264_1265delinsAA, p.Pro422Asn (NM_001354714.2, NM_001354715.2); c.1186_1187delinsAA, p.Pro396Asn (NM_001374827.1); short protein forms P396N, P422N, P453N.
Identifiers: ClinVar variation 2442325 (VCV002442325.4), dbSNP rs2148780504, ClinGen allele CA2580069619.